The following is an entry in ClinVar:

ClinVar aggregate classification (germline): not provided (0 of 4 stars; one submission).

Allele frequency attached by ClinVar (database versions not stated): 1000 Genomes Project 30x 0.00031; 1000 Genomes Project 0.00040; TOPMed 0.00080.
gnomAD v4.1: 1,642 of 1,194,874 alleles (0.14%); highest among the groups gnomAD compares: Non-Finnish European, 0.16%; 1 homozygote.

Submission:

Human Evolutionary Genetics, Institut Pasteur
No classification provided. Review status: no classification provided. Collection method: not provided. Allele origin: germline.
ClinVar note: Converted during submission from untested to not provided.

NM_001282144.2(NLRX1):c.230-111C>T

Gene: NLRX1 (NLR family member X1; plus strand). Cytogenetic location: 11q23.3.
Variant type: single nucleotide variant.
Coding change: c.230-111C>T on transcript NM_001282144.2 (MANE Select); 111 bases into the intron before coding-DNA position 230, C replaced by T.
Molecular consequence: intron variant.
Genome position (GRCh38, 1-based): chr11:119,173,368, C>T. VCF-style: chr11-119173368-C-T. GRCh37 (hg19) VCF-style: chr11-119044077-C-T.
Other names: c.230-111C>T (NM_001282358.2, NM_024618.4, NM_001282143.2).
Identifiers: ClinVar variation 103137 (VCV000103137.2), dbSNP rs199476038, ClinGen allele CA230173.